The following is an entry in ClinVar:

ClinVar aggregate classification (germline): Uncertain significance. Review status: criteria provided, single submitter (1 of 4 stars). 2 submissions from 2 submitters: Uncertain significance (1). 1 of the submissions does not count toward it. Last evaluated 2025-08-28.

Conditions:
NAV2-related disorder. Also called: NAV2-related condition.

Allele frequency attached by ClinVar (database versions not stated): gnomAD exomes 0.00017; ExAC 0.00056; gnomAD 0.00170; TOPMed 0.00198; 1000 Genomes Project 0.00220; 1000 Genomes Project 30x 0.00250; ESP Exome Variant Server 0.00261.
gnomAD v4.1: 530 of 1,614,176 alleles (0.033%); highest among the groups gnomAD compares: African/African-American, 0.61%; 2 homozygotes.

Submissions (2):

Ambry Genetics
Classification: Uncertain significance. Last evaluated: 2025-08-28. Review status: criteria provided, single submitter. Criteria: Ambry Variant Classification Scheme 2023. Collection method: clinical testing. Allele origin: germline.

PreventionGenetics, part of Exact Sciences
Classification: Likely benign for NAV2-related condition. Last evaluated: 2020-02-05. Review status: no assertion criteria provided. Collection method: clinical testing. Allele origin: germline. Not counted in ClinVar's aggregate classification.
Comment: This variant is classified as likely benign based on ACMG/AMP sequence variant interpretation guidelines (Richards et al. 2015 PMID: 25741868, with internal and published modifications).

NM_145117.5(NAV2):c.4070G>A (p.Ser1357Asn)

Genes: NAV2-AS2 (NAV2 antisense RNA 2; minus strand), NAV2 (neuron navigator 2; plus strand), LOC126861158 (BRD4-independent group 4 enhancer GRCh37_chr11:20070019-20071218; plus strand). Cytogenetic location: 11p15.1.
Variant type: single nucleotide variant.
Coding change: c.4070G>A on transcript NM_145117.5 (MANE Select); coding-DNA position 4070, G replaced by A.
Protein change: p.Ser1357Asn; replaces serine 1357 with asparagine.
Molecular consequence: missense variant.
Genome position (GRCh38, 1-based): chr11:20,048,895, G>A. VCF-style: chr11-20048895-G-A. GRCh37 (hg19) VCF-style: chr11-20070441-G-A.
Other names: c.4139G>A, p.Ser1380Asn (NM_001244963.2); c.4070G>A, p.Ser1357Asn (NM_182964.6); c.4070G>A (NM_145117.4); c.3878G>A, p.Ser1293Asn (NM_001111018.2); c.1328G>A, p.Ser443Asn (NM_001111019.3); short protein forms S1293N, S1357N, S1380N, S443N.
Identifiers: ClinVar variation 3051424 (VCV003051424.3), dbSNP rs148735649, ClinGen allele CA5918584.
Genomic context (GRCh38, chr11:20,048,895, plus strand): 5'-ACCTAGACTCCCCGTCAGGCAGTGGCGTCCTGAGCAGTGGGAGCAGCAGTCCTCTCTACA[G>A]CAAGAATGTGGACCTCAACCAGTCTCCGCTAGCCTCCAGCCCCAGCTCAGCCCACTCGGC-3'
Protein context (NP_660093.2, residues 1347-1367): LSSGSSSPLY[Ser1357Asn]KNVDLNQSPL